The following is an entry in ClinVar:

NM_005912.3(MC4R):c.215A>G (p.Asn72Ser)

Gene: MC4R (melanocortin 4 receptor; minus strand). Cytogenetic location: 18q21.32.
Variant type: single nucleotide variant.
Coding change: c.215A>G on transcript NM_005912.3 (MANE Select); coding-DNA position 215, A replaced by G.
Protein change: p.Asn72Ser; replaces asparagine 72 with serine.
Molecular consequence: missense variant.
Genome position (GRCh38, 1-based): chr18:60,372,135, T>C on the plus strand (A>G on the coding strand, the complement: MC4R is on the minus strand). VCF-style: chr18-60372135-T-C. GRCh37 (hg19) VCF-style: chr18-58039368-T-C.
Other names: short protein forms N72S.
Identifiers: ClinVar variation 3357800 (VCV003357800.1).
Genomic context (GRCh38, chr18:60,372,135, plus strand): 5'-AGCATATCAGCCACAGCCAAGCTGCAGATGAAAAAGTACATGGGTGAATGCAGATTCTTG[T>C]TCTTGGCTATTGCCACAATCACTAAGATATTCTCCAACAAGCTGATGACACCCAGAGTCA-3'
Protein context (NP_005903.2, residues 62-82): NILVIVAIAK[Asn72Ser]KNLHSPMYFF

ClinVar aggregate classification (germline): Uncertain significance (0 of 4 stars; one submission).

Conditions:
MC4R-related disorder. Also called: MC4R-related condition.

gnomAD v4.1: 22 of 1,614,138 alleles (0.0014%); highest among the groups gnomAD compares: Admixed American, 0.0033%; no homozygotes.

Submission:

PreventionGenetics, part of Exact Sciences
Classification: Uncertain significance for MC4R-related condition. Last evaluated: 2024-08-09. Review status: no assertion criteria provided. Collection method: clinical testing. Allele origin: germline.
Comment: The MC4R c.215A>G variant is predicted to result in the amino acid substitution p.Asn72Ser. The p.Asn72Ser variant was previously reported in one obesity cohort (reported as N72S in Table S1, Collet et al. 2017. PubMed ID: 29031731); although no clinical information was available, in vitro experiments indicated a potential partial loss of function. This variant is reported in 0.0033%of alleles in individuals of South Asian descent in gnomAD. At this time, the clinical significance of this variant is uncertain due to the absence of conclusive functional and genetic evidence.